The following is an entry in ClinVar:

NM_003482.4(KMT2D):c.10232-1G>A

Gene: KMT2D (lysine methyltransferase 2D; minus strand). Cytogenetic location: 12q13.12.
Variant type: single nucleotide variant.
Coding change: c.10232-1G>A on transcript NM_003482.4 (MANE Select); the canonical splice acceptor site of the intron before coding-DNA position 10232, G replaced by A.
Molecular consequence: splice acceptor variant.
Genome position (GRCh38, 1-based): chr12:49,034,936, C>T on the plus strand (G>A on the coding strand, the complement: KMT2D is on the minus strand). VCF-style: chr12-49034936-C-T. GRCh37 (hg19) VCF-style: chr12-49428719-C-T.
Identifiers: ClinVar variation 2040604 (VCV002040604.4), dbSNP rs1943142093, ClinGen allele CA384730179.

ClinVar aggregate classification (germline): Likely pathogenic (1 of 4 stars; one submission).

Conditions:
Kabuki syndrome. Also called: NIIKAWA-KUROKI SYNDROME; Kabuki make-up syndrome. Identifiers: Orphanet 2322, MedGen C0796004, MONDO:0016512.

Submission:

Labcorp Genetics (formerly Invitae), Labcorp
Classification: Likely pathogenic for Kabuki syndrome. Last evaluated: 2022-07-19. Review status: criteria provided, single submitter. Criteria: Invitae Variant Classification Sherloc (09022015). Collection method: clinical testing. Allele origin: germline.
Comment: In summary, the currently available evidence indicates that the variant is pathogenic, but additional data are needed to prove that conclusively. Therefore, this variant has been classified as Likely Pathogenic. Algorithms developed to predict the effect of sequence changes on RNA splicing suggest that this variant may disrupt the consensus splice site. This variant has not been reported in the literature in individuals affected with KMT2D-related conditions. This variant is not present in population databases (gnomAD no frequency). This sequence change affects an acceptor splice site in intron 34 of the KMT2D gene. It is expected to disrupt RNA splicing. Variants that disrupt the donor or acceptor splice site typically lead to a loss of protein function (PMID: 16199547), and loss-of-function variants in KMT2D are known to be pathogenic (PMID: 22126750).

Literature cited by the submitters: PubMed 16199547; PubMed 22126750.